The following is an entry in ClinVar:

NM_005633.4(SOS1):c.329T>A (p.Ile110Asn)

Gene: SOS1 (SOS Ras/Rac guanine nucleotide exchange factor 1; minus strand). Cytogenetic location: 2p22.1.
Variant type: single nucleotide variant.
Coding change: c.329T>A on transcript NM_005633.4 (MANE Select); coding-DNA position 329, T replaced by A.
Protein change: p.Ile110Asn; replaces isoleucine 110 with asparagine.
Molecular consequence: missense variant.
Genome position (GRCh38, 1-based): chr2:39,058,689, A>T on the plus strand (T>A on the coding strand, the complement: SOS1 is on the minus strand). VCF-style: chr2-39058689-A-T. GRCh37 (hg19) VCF-style: chr2-39285830-A-T.
Other names: c.308T>A, p.Ile103Asn (NM_001382394.1); c.329T>A, p.Ile110Asn (NM_001382395.1); short protein forms I110N, I103N.
Identifiers: ClinVar variation 2073573 (VCV002073573.4), dbSNP rs2465361100, ClinGen allele CA346373811.

ClinVar aggregate classification (germline): Uncertain significance (1 of 4 stars; one submission).

Conditions:
RASopathy. Also called: Noonan spectrum disorder; rasopathies. Identifiers: Orphanet 536391, MedGen C5555857, MONDO:0021060.

Submission:

Labcorp Genetics (formerly Invitae), Labcorp
Classification: Uncertain significance for RASopathy. Last evaluated: 2022-01-26. Review status: criteria provided, single submitter. Criteria: Invitae Variant Classification Sherloc (09022015). Collection method: clinical testing. Allele origin: germline.
Comment: Advanced modeling of protein sequence and biophysical properties (such as structural, functional, and spatial information, amino acid conservation, physicochemical variation, residue mobility, and thermodynamic stability) performed at Invitae indicates that this missense variant is expected to disrupt SOS1 protein function. In summary, the available evidence is currently insufficient to determine the role of this variant in disease. Therefore, it has been classified as a Variant of Uncertain Significance. This variant has not been reported in the literature in individuals affected with SOS1-related conditions. This variant is not present in population databases (gnomAD no frequency). This sequence change replaces isoleucine, which is neutral and non-polar, with asparagine, which is neutral and polar, at codon 110 of the SOS1 protein (p.Ile110Asn).